The following is an entry in ClinVar:

NM_213599.3(ANO5):c.845A>G (p.Tyr282Cys)

Gene: ANO5 (anoctamin 5; plus strand). Cytogenetic location: 11p14.3.
Variant type: single nucleotide variant.
Coding change: c.845A>G on transcript NM_213599.3 (MANE Select); coding-DNA position 845, A replaced by G.
Protein change: p.Tyr282Cys; replaces tyrosine 282 with cysteine.
Molecular consequence: missense variant.
Genome position (GRCh38, 1-based): chr11:22,239,651, A>G. VCF-style: chr11-22239651-A-G. GRCh37 (hg19) VCF-style: chr11-22261197-A-G.
Other names: c.842A>G, p.Tyr281Cys (NM_001142649.2); short protein forms Y282C, Y281C.
Identifiers: ClinVar variation 284559 (VCV000284559.13), dbSNP rs561417561, ClinGen allele CA5923049.

ClinVar aggregate classification (germline): Uncertain significance. Review status: criteria provided, multiple submitters, no conflicts (2 of 4 stars). 3 submissions from 3 submitters: Uncertain significance (3). Last evaluated 2025-12-01.

Conditions:
Gnathodiaphyseal dysplasia (GDD). Also called: GNATHODIAPHYSEAL SCLEROSIS; OSTEOGENESIS IMPERFECTA WITH UNUSUAL SKELETAL LESIONS. Identifiers: Orphanet 53697, MedGen C1833736, MONDO:0008151, OMIM 166260.
Autosomal recessive limb-girdle muscular dystrophy type 2L (LGMDR12). Also called: Limb-girdle muscular dystrophy, type 2L; Limb-Girdle Muscular Dystrophy R12 Anoctamin-5-Related (LGMD-R12); MUSCULAR DYSTROPHY, LIMB-GIRDLE, AUTOSOMAL RECESSIVE 12. Identifiers: Orphanet 206549, MedGen C1969785, MONDO:0012652, OMIM 611307.

Allele frequency attached by ClinVar (database versions not stated): ExAC 0.00001; gnomAD 0.00002 and 0.00003; gnomAD exomes 0.00002 and 0.00003; TOPMed 0.00002; 1000 Genomes Project 30x 0.00016; 1000 Genomes Project 0.00020.
gnomAD v4.1: 42 of 1,612,112 alleles (0.0026%); highest among the groups gnomAD compares: Admixed American, 0.0033%; no homozygotes.

Submissions (3):

Labcorp Genetics (formerly Invitae), Labcorp
Classification: Uncertain significance for Autosomal recessive limb-girdle muscular dystrophy type 2L; Gnathodiaphyseal dysplasia. Last evaluated: 2025-12-01. Review status: criteria provided, single submitter. Criteria: Invitae Variant Classification Sherloc (09022015). Collection method: clinical testing. Allele origin: germline.
Comment: This sequence change replaces tyrosine, which is neutral and polar, with cysteine, which is neutral and slightly polar, at codon 282 of the ANO5 protein (p.Tyr282Cys). This variant is present in population databases (rs561417561, gnomAD 0.003%). This variant has not been reported in the literature in individuals affected with ANO5-related conditions. ClinVar contains an entry for this variant (Variation ID: 284559). Invitae Evidence Modeling of protein sequence and biophysical properties (such as structural, functional, and spatial information, amino acid conservation, physicochemical variation, residue mobility, and thermodynamic stability) indicates that this missense variant is not expected to disrupt ANO5 protein function with a negative predictive value of 95%. In summary, the available evidence is currently insufficient to determine the role of this variant in disease. Therefore, it has been classified as a Variant of Uncertain Significance.

GeneDx
Classification: Uncertain significance. Last evaluated: 2017-02-03. Review status: criteria provided, single submitter. Criteria: GeneDx Variant Classification (06012015). Collection method: clinical testing. Allele origin: germline. Affected: yes.
Comment: The Y282C variant has not been published as a pathogenic variant, nor has it been reported as a benign variant to our knowledge. The Y282C variant is not observed at a significant frequency in large population cohorts (Lek et al., 2016; 1000 Genomes Consortium et al., 2015; Exome Variant Server). This variant is a non-conservative amino acid substitution, which is likely to impact secondary protein structure as these residues differ in polarity, charge, size and/or other properties. However, this substitution occurs at a position that is not conserved, and in silico analysis is inconsistent in its predictions as to whether or not the variant is damaging to the protein structure/function.

Eurofins Ntd Llc (ga)
Classification: Uncertain significance. Last evaluated: 2015-12-01. Review status: criteria provided, single submitter. Criteria: EGL Classification Definitions 2015. Collection method: clinical testing. Allele origin: germline. Observed: 1 variant allele, 1 heterozygote.